The following is an entry in ClinVar:

ClinVar aggregate classification (germline): Benign/Likely benign. Review status: criteria provided, multiple submitters, no conflicts (2 of 4 stars). 5 submissions from 5 submitters: Benign (2); Likely benign (3). Last evaluated 2026-02-04.

Conditions:
Donnai-Barrow syndrome. Also called: DBS/FOAR SYNDROME; FACIOOCULOACOUSTICORENAL SYNDROME. Identifiers: Orphanet 2143, MedGen C1857277, MONDO:0009104, OMIM 222448.

Allele frequency attached by ClinVar (database versions not stated): gnomAD exomes 0.00016 and 0.00045; ExAC 0.00058; 1000 Genomes Project 0.00140; gnomAD 0.00169 and 0.00183; 1000 Genomes Project 30x 0.00172; ESP Exome Variant Server 0.00192; TOPMed 0.00193.
gnomAD v4.1: 511 of 1,614,166 alleles (0.032%); highest among the groups gnomAD compares: African/African-American, 0.53%; 1 homozygote.

Submissions (5):

Labcorp Genetics (formerly Invitae), Labcorp
Classification: Benign. Last evaluated: 2026-02-04. Review status: criteria provided, single submitter. Criteria: Invitae Variant Classification Sherloc (09022015). Collection method: clinical testing. Allele origin: germline.

Blueprint Genetics
Classification: Likely benign. Last evaluated: 2024-05-29. Review status: criteria provided, single submitter. Criteria: ACMG Guidelines, 2015. Collection method: clinical testing. Allele origin: germline.

Genome-Nilou Lab
Classification: Benign for Donnai-Barrow syndrome. Last evaluated: 2021-07-15. Review status: criteria provided, single submitter. Criteria: ACMG Guidelines, 2015. Collection method: clinical testing. Allele origin: germline. Affected: no.

Illumina Laboratory Services, Illumina
Classification: Likely benign for Donnai-Barrow syndrome. Last evaluated: 2018-01-12. Review status: criteria provided, single submitter. Criteria: ICSL Variant Classification Criteria 13 December 2019. Collection method: clinical testing. Allele origin: germline.
Comment: This variant was observed in the ICSL laboratory as part of a predisposition screen in an ostensibly healthy population. It had not been previously curated by ICSL or reported in the Human Gene Mutation Database (HGMD: prior to June 1st, 2018), and was therefore a candidate for classification through an automated scoring system. Utilizing variant allele frequency, disease prevalence and penetrance estimates, and inheritance mode, an automated score was calculated to assess if this variant is too frequent to cause the disease. Based on the score and internal cut-off values, a variant classified as likely benign is not then subjected to further curation. The score for this variant resulted in a classification of likely benign for this disease.

Breakthrough Genomics
Classification: Likely benign. Review status: criteria provided, single submitter. Criteria: ACMG Guidelines, 2015. Collection method: not provided. Allele origin: germline. Inheritance: Autosomal recessive inheritance. Affected: yes.

NM_004525.3(LRP2):c.10233C>T (p.Phe3411=)

Gene: LRP2 (LDL receptor related protein 2; minus strand). Cytogenetic location: 2q31.1.
Variant type: single nucleotide variant.
Coding change: c.10233C>T on transcript NM_004525.3 (MANE Select); coding-DNA position 10233, C replaced by T.
Protein change: p.Phe3411=; no amino-acid change (phenylalanine 3411 retained).
Molecular consequence: synonymous variant.
Genome position (GRCh38, 1-based): chr2:169,177,963, G>A on the plus strand (C>T on the coding strand, the complement: LRP2 is on the minus strand). VCF-style: chr2-169177963-G-A. GRCh37 (hg19) VCF-style: chr2-170034473-G-A.
Identifiers: ClinVar variation 332105 (VCV000332105.16), dbSNP rs139363553, ClinGen allele CA1953393.